The following is an entry in ClinVar:

ClinVar aggregate classification (germline): Conflicting classifications of pathogenicity. Review status: criteria provided, conflicting classifications (1 of 4 stars). 6 submissions from 6 submitters: Likely pathogenic (2); Uncertain significance (4). Last evaluated 2026-01-06.

Conditions:
Hearing loss, autosomal recessive. Also called: Deafness, autosomal recessive; Rare autosomal recessive non-syndromic sensorineural deafness type DFNB; Nonsyndromic Hearing Loss, Recessive; Autosomal recessive nonsyndromic deafness. Identifiers: Orphanet 90635, Orphanet 90636, MedGen C1846647, MONDO:0019588, OMIM 607197.
MYO15A-related disorder. Also called: MYO15A-related condition.
Autosomal recessive nonsyndromic hearing loss 3. Also called: NEUROSENSORY NONSYNDROMIC RECESSIVE DEAFNESS 3. Identifiers: Orphanet 90636, MedGen C1838263, MONDO:0010860, OMIM 600316.

Allele frequency attached by ClinVar (database versions not stated): gnomAD exomes below 0.00001 and 0.00002; ExAC 0.00003; gnomAD 0.00006; TOPMed 0.00006; ESP Exome Variant Server 0.00008.
gnomAD v4.1: 14 of 1,613,368 alleles (0.00087%); highest among the groups gnomAD compares: African/African-American, 0.016%; no homozygotes.

Submissions (6):

Women's Health and Genetics/Laboratory Corporation of America, LabCorp
Classification: Uncertain significance. Last evaluated: 2026-01-06. Review status: criteria provided, single submitter. Criteria: LabCorp Variant Classification Summary - May 2015. Collection method: clinical testing. Allele origin: germline.
Comment: Variant summary: MYO15A c.8080C>A (p.Arg2694Ser) results in a non-conservative amino acid change in the encoded protein sequence. Algorithms developed to predict the effect of missense changes on protein structure and function all suggest that this variant is likely to be disruptive. The variant allele was found at a frequency of 1.6e-05 in 248804 control chromosomes. The available data on variant occurrences in the general population are insufficient to allow any conclusion about variant significance. c.8080C>A has been observed in individuals affected with Autosomal Recessive Nonsyndromic Hearing Loss 3 (Antunes_2024, Carlson_2023). These data do not allow any conclusion about variant significance. To our knowledge, no experimental evidence demonstrating an impact on protein function has been reported. The following publications have been ascertained in the context of this evaluation (PMID: 39498320, 36633841). ClinVar contains an entry for this variant (Variation ID: 1476534). Based on the evidence outlined above, the variant was classified as uncertain significance.

PreventionGenetics, part of Exact Sciences
Classification: Uncertain significance for MYO15A-related condition. Last evaluated: 2025-08-13. Review status: criteria provided, single submitter. Criteria: ACMG Guidelines, 2015. Collection method: clinical testing. Allele origin: germline.
Comment: The MYO15A c.8080C>A variant is predicted to result in the amino acid substitution p.Arg2694Ser. To our knowledge, this variant has not been reported in the literature. This variant is reported in 0.017% of alleles in individuals of African descent in gnomAD. At this time, the clinical significance of this variant is uncertain due to the absence of conclusive functional and genetic evidence.

GeneDx
Classification: Uncertain significance. Last evaluated: 2025-04-22. Review status: criteria provided, single submitter. Criteria: GeneDx Variant Classification Process June 2021. Collection method: clinical testing. Allele origin: germline. Affected: yes.
Comment: In silico analysis supports that this missense variant has a deleterious effect on protein structure/function; This variant is associated with the following publications: (PMID: 36633841, 39498320)

Laboratory of Human Genetics, Universidade de São Paulo
Classification: Likely pathogenic for Hearing loss, autosomal recessive. Last evaluated: 2024-05-01. Review status: criteria provided, single submitter. Criteria: ClinGen HL ACMG Specifications v1. Collection method: research. Allele origin: paternal. Affected: yes. Observed: 2 variant alleles.
Comment: The MYO15 NM_016239.3 :c.8080C>A variant has Extremely low frequency in gnomAD population databases, it is associated with a recessive disorder, detected in trans with a pathogenic variant, in compound heterozygous state in affected cases (PM3); computational prediction tools unanimously support a deleterious effect on the gene (PP3). In this report it was found in trans with c.4252G>A, in two affected siblings born from unrelated couple.

Labcorp Genetics (formerly Invitae), Labcorp
Classification: Uncertain significance. Last evaluated: 2023-12-01. Review status: criteria provided, single submitter. Criteria: Invitae Variant Classification Sherloc (09022015). Collection method: clinical testing. Allele origin: germline.
Comment: This sequence change replaces arginine, which is basic and polar, with serine, which is neutral and polar, at codon 2694 of the MYO15A protein (p.Arg2694Ser). This variant is present in population databases (rs371730430, gnomAD 0.02%). This missense change has been observed in individual(s) with deafness (PMID: 36633841). ClinVar contains an entry for this variant (Variation ID: 1476534). Advanced modeling of protein sequence and biophysical properties (such as structural, functional, and spatial information, amino acid conservation, physicochemical variation, residue mobility, and thermodynamic stability) has been performed at Invitae for this missense variant, however the output from this modeling did not meet the statistical confidence thresholds required to predict the impact of this variant on MYO15A protein function. In summary, the available evidence is currently insufficient to determine the role of this variant in disease. Therefore, it has been classified as a Variant of Uncertain Significance.

King Laboratory, University of Washington
Classification: Likely pathogenic for Autosomal recessive nonsyndromic hearing loss 3. Last evaluated: 2023-02-28. Review status: criteria provided, single submitter. Criteria: Li et al. (Genet Med. 2022). Collection method: research. Allele origin: unknown. Affected: yes.
Comment: This variant occurred in compound heterozygosity with a MYO15A nonsense variant in a patient with bilateral sensorineural hearing loss of onset <18 years, in a study of pediatric hearing loss conducted by the King Laboratory (Carlson RJ et al. JAMA-OtoHNS 2023). This patient’s family has no other history of hearing loss. This variant is a missense at a completely conserved site and is predicted to be damaging by multiple in-silico tools. As of January 2023, this variant has been reported to ClinVar as a variant of unknown significance and is not found on gnomAD. Based on consistently predicted functional effect, compound heterozygosity with a loss-of-function variant, and goodness of fit of genotype to phenotype, we conclude that this variant is likely pathogenic.

Literature cited by the submitters: PubMed 36633841 (cited by 3 submitters); PubMed 39498320 (cited by Women's Health and Genetics/Laboratory Corporation of America, LabCorp).

NM_016239.4(MYO15A):c.8080C>A (p.Arg2694Ser)

Gene: MYO15A (myosin XVA; plus strand). Cytogenetic location: 17p11.2.
Variant type: single nucleotide variant.
Coding change: c.8080C>A on transcript NM_016239.4 (MANE Select); coding-DNA position 8080, C replaced by A.
Protein change: p.Arg2694Ser; replaces arginine 2694 with serine.
Molecular consequence: missense variant.
Genome position (GRCh38, 1-based): chr17:18,153,888, C>A. VCF-style: chr17-18153888-C-A. GRCh37 (hg19) VCF-style: chr17-18057202-C-A.
Other names: c.8080C>A (NM_016239.3); short protein forms R2694S.
Identifiers: ClinVar variation 1476534 (VCV001476534.10), dbSNP rs371730430, ClinGen allele CA8425011.